The following is an entry in ClinVar:

NM_020207.7(ERCC6L2):c.537G>A (p.Met179Ile)

Gene: ERCC6L2 (ERCC excision repair 6 like 2; plus strand). Cytogenetic location: 9q22.32.
Variant type: single nucleotide variant.
Coding change: c.537G>A on transcript NM_020207.7 (MANE Select); coding-DNA position 537, G replaced by A.
Protein change: p.Met179Ile; replaces methionine 179 with isoleucine.
Molecular consequence: missense variant. On other transcripts: non-coding transcript variant (1).
Genome position (GRCh38, 1-based): chr9:95,897,914, G>A. VCF-style: chr9-95897914-G-A. GRCh37 (hg19) VCF-style: chr9-98660196-G-A.
Other names: c.537G>A, p.Met179Ile (NM_001010895.4, NM_001375291.1, NM_001375292.1 and 2 more transcripts); short protein forms M179I.
Identifiers: ClinVar variation 4618712 (VCV004618712.2).

ClinVar aggregate classification (germline): Uncertain significance. Review status: criteria provided, multiple submitters, no conflicts (2 of 4 stars). 2 submissions from 2 submitters: Uncertain significance (2). Last evaluated 2025-09-27.

Conditions:
Inborn genetic diseases. Identifiers: MedGen C0950123, MeSH D030342.

Submissions (2):

Ambry Genetics
Classification: Uncertain significance for Inborn genetic diseases. Last evaluated: 2025-09-27. Review status: criteria provided, single submitter. Criteria: Ambry Variant Classification Scheme 2023. Collection method: clinical testing. Allele origin: germline.
Comment: The p.M179I variant (also known as c.537G>A), located in coding exon 3 of the ERCC6L2 gene, results from a G to A substitution at nucleotide position 537. The methionine at codon 179 is replaced by isoleucine, an amino acid with highly similar properties. This amino acid position is conserved. In addition, the in silico prediction for this alteration is inconclusive. Based on the available evidence, the clinical significance of this variant remains unclear.

Blueprint Genetics
Classification: Uncertain significance. Last evaluated: 2024-04-25. Review status: criteria provided, single submitter. Criteria: ACMG Guidelines, 2015. Collection method: clinical testing. Allele origin: germline.